The following is an entry in ClinVar:

ClinVar aggregate classification (germline): Pathogenic (1 of 4 stars; one submission).

Conditions:
Hereditary cancer-predisposing syndrome. Also called: Tumor predisposition; Hereditary Cancer Syndrome; Neoplastic Syndromes, Hereditary; Hereditary neoplastic syndrome. Identifiers: Orphanet 140162, MedGen C0027672, MeSH D009386, MONDO:0015356.

Submission:

Ambry Genetics
Classification: Pathogenic for Hereditary cancer-predisposing syndrome. Last evaluated: 2018-05-04. Review status: criteria provided, single submitter. Criteria: Ambry Variant Classification Scheme 2023. Collection method: clinical testing. Allele origin: germline.
Comment: The c.2590delT pathogenic mutation, located in coding exon 9 of the BRCA1 gene, results from a deletion of one nucleotide at nucleotide position 2590, causing a translational frameshift with a predicted alternate stop codon (p.S864Qfs*29). This alteration is expected to result in loss of function by premature protein truncation or nonsense-mediated mRNA decay. As such, this alteration is interpreted as a disease-causing mutation.

NM_007294.4(BRCA1):c.2590del (p.Ser864fs)

Gene: BRCA1 (BRCA1 DNA repair associated; minus strand). Cytogenetic location: 17q21.31.
Variant type: Deletion.
Coding change: c.2590del on transcript NM_007294.4 (MANE Select); coding-DNA position 2590, one base deleted (T; older notation c.2590delT).
Protein change: p.Ser864fs; shifts the reading frame from serine 864.
Molecular consequence: frameshift variant. On other transcripts: intron variant (137).
Genome position (GRCh38, 1-based): chr17:43,092,941, A deleted on the plus strand (T on the coding strand, the reverse complement: BRCA1 is on the minus strand); the first of 3 consecutive A bases (chr17:43,092,941-43,092,943); deleting any one gives the same sequence. VCF-style (leftmost placement, unchanged base first): chr17-43092940-GA-G. GRCh37 (hg19) VCF-style: chr17-41244957-GA-G.
Other names: c.2323del, p.Ser775fs (NM_001407930.1, NM_001407931.1, NM_001407932.1 and 2 more transcripts); c.2326del, p.Ser776fs (NM_001407935.1, NM_001407933.1, NM_001407920.1 and 9 more transcripts); c.2590delT (NM_007294.3); c.664+1803del (NM_001408442.1, NM_001408426.1, NM_001408436.1 and 12 more transcripts); c.787+1803del (NM_001407982.1, NM_001407970.1, NM_001407980.1 and 17 more transcripts); c.2377del, p.Ser793fs (NM_001407571.1, NM_001407853.1, NM_001407894.1 and 9 more transcripts); c.2590del, p.Ser864fs (NM_001407581.1, NM_001407582.1, NM_001407583.1 and 30 more transcripts); c.2587del, p.Ser863fs (NM_001407587.1, NM_001407590.1, NM_001407591.1 and 22 more transcripts); and 42 more; short protein forms S817fs, S864fs, S568fs, S752fs, S776fs, S822fs, S863fs, S696fs.
Identifiers: ClinVar variation 1793519 (VCV001793519.2), dbSNP rs1597868983, ClinGen allele CA2580094013.
Genomic context (GRCh38, chr17:43,092,940, plus strand): 5'-GTTGCACATTCCTCTTCTGCATTTCCTGGATTTGAAAACGGAGCAAATGACTGGCGCTTT[GA>G]AACCTTGAATGTATTCTGCAAATACTGAGCATCAAGTTCACTTTCTTCCATTTCTATGCT-3'